The following is an entry in ClinVar:

NM_004431.5(EPHA2):c.2239G>A (p.Val747Ile)

Gene: EPHA2 (EPH receptor A2; minus strand). Cytogenetic location: 1p36.13.
Variant type: single nucleotide variant.
Coding change: c.2239G>A on transcript NM_004431.5 (MANE Select); coding-DNA position 2239, G replaced by A.
Protein change: p.Val747Ile; replaces valine 747 with isoleucine.
Molecular consequence: missense variant.
Genome position (GRCh38, 1-based): chr1:16,132,150, C>T on the plus strand (G>A on the coding strand, the complement: EPHA2 is on the minus strand). VCF-style: chr1-16132150-C-T. GRCh37 (hg19) VCF-style: chr1-16458645-C-T.
Other names: c.2077G>A, p.Val693Ile (NM_001329090.2); short protein forms V747I, V693I.
Identifiers: ClinVar variation 293412 (VCV000293412.43), dbSNP rs145592908, ClinGen allele CA624886.
Genomic context (GRCh38, chr1:16,132,150, plus strand): 5'-CGTCCTCCAGCACGCGGGACAGGCCAAAGTCAGACACCTTGCAGACCAGGTTGCTGTTGA[C>T]GAGGATGTTGCGGGCAGCCAGGTCACGGTGCACATAGTTCATGTTGGCCAGGTACTTCAT-3'
Protein context (NP_004422.2, residues 737-757): HRDLAARNIL[Val747Ile]NSNLVCKVSD

ClinVar aggregate classification (germline): Conflicting classifications of pathogenicity. Review status: criteria provided, conflicting classifications (1 of 4 stars). 4 submissions from 4 submitters: Uncertain significance (1); Benign (2); Likely benign (1). Last evaluated 2025-11-25.

Conditions:
Cataract 6 multiple types. Also called: CATARACT 6, POSTERIOR POLAR; CATARACT 6, CONGENITAL TOTAL; CATARACT, AGE-RELATED CORTICAL, 2. Identifiers: Orphanet 91492, MedGen C1861825, MONDO:0007288, OMIM 116600.

Allele frequency attached by ClinVar (database versions not stated): gnomAD exomes 0.00041 and 0.00058; ExAC 0.00067; ESP Exome Variant Server 0.00092; gnomAD 0.00135 and 0.00139; TOPMed 0.00162; 1000 Genomes Project 0.00180; 1000 Genomes Project 30x 0.00187.
gnomAD v4.1: 813 of 1,614,216 alleles (0.05%); highest among the groups gnomAD compares: African/African-American, 0.4%; no homozygotes.

Submissions (4):

Labcorp Genetics (formerly Invitae), Labcorp
Classification: Likely benign for Cataract 6 multiple types. Last evaluated: 2025-11-25. Review status: criteria provided, single submitter. Criteria: Invitae Variant Classification Sherloc (09022015). Collection method: clinical testing. Allele origin: germline.

CeGaT Center for Human Genetics Tuebingen
Classification: Benign. Last evaluated: 2023-06-01. Review status: criteria provided, single submitter. Criteria: CeGaT Center For Human Genetics Tuebingen Variant Classification Criteria Version 2. Collection method: clinical testing. Allele origin: germline. Affected: yes. Observed: 1 variant allele.
Comment: EPHA2: BS1, BS2

GeneDx
Classification: Uncertain significance. Last evaluated: 2022-08-16. Review status: criteria provided, single submitter. Criteria: GeneDx Variant Classification Process June 2021. Collection method: clinical testing. Allele origin: germline. Affected: yes.
Comment: In silico analysis supports that this missense variant does not alter protein structure/function; Has not been previously published as pathogenic or benign to our knowledge

Illumina Laboratory Services, Illumina
Classification: Benign for Cataract 6 multiple types. Last evaluated: 2018-01-13. Review status: criteria provided, single submitter. Criteria: ICSL Variant Classification Criteria 13 December 2019. Collection method: clinical testing. Allele origin: germline.
Comment: This variant was observed in the ICSL laboratory as part of a predisposition screen in an ostensibly healthy population. It had not been previously curated by ICSL or reported in the Human Gene Mutation Database (HGMD: prior to June 1st, 2018), and was therefore a candidate for classification through an automated scoring system. Utilizing variant allele frequency, disease prevalence and penetrance estimates, and inheritance mode, an automated score was calculated to assess if this variant is too frequent to cause the disease. Based on the score and internal cut-off values, a variant classified as benign is not then subjected to further curation. The score for this variant resulted in a classification of benign for this disease.